The following is an entry in ClinVar:

NM_000397.4(CYBB):c.1151+1G>A

Gene: CYBB (cytochrome b-245 beta chain; plus strand). Cytogenetic location: Xp11.4.
Variant type: single nucleotide variant.
Coding change: c.1151+1G>A on transcript NM_000397.4 (MANE Select); the canonical splice donor site of the intron after coding-DNA position 1151, G replaced by A.
Molecular consequence: splice donor variant.
Genome position (GRCh38, 1-based): chrX:37,804,131, G>A. VCF-style: chrX-37804131-G-A. GRCh37 (hg19) VCF-style: chrX-37663384-G-A.
Identifiers: ClinVar variation 1071578 (VCV001071578.9), dbSNP rs2146817275, ClinGen allele CA412977594.
Genomic context (GRCh38, chrX:37,804,131, plus strand): 5'-GCTGTTCAATGCTTGTGGCTGTGATAAGCAGGAGTTTCAAGATGCGTGGAAACTACCTAA[G>A]TGAGTAAAAAGTACATATTACCAACGTATATGAGTTCAGGAAAAATGGCACTAAATAGCT-3'

ClinVar aggregate classification (germline): Pathogenic (1 of 4 stars; one submission).

Conditions:
Granulomatous disease, chronic, X-linked. Also called: CYTOCHROME b-NEGATIVE GRANULOMATOUS DISEASE, CHRONIC, X-LINKED; GRANULOMATOUS DISEASE, CHRONIC, X-LINKED, SOMATIC MOSAIC. Identifiers: Orphanet 379, MedGen C1844376, MONDO:0010600, OMIM 306400.

Submission:

Labcorp Genetics (formerly Invitae), Labcorp
Classification: Pathogenic for Granulomatous disease, chronic, X-linked. Last evaluated: 2020-03-04. Review status: criteria provided, single submitter. Criteria: Invitae Variant Classification Sherloc (09022015). Collection method: clinical testing. Allele origin: germline.
Comment: For these reasons, this variant has been classified as Pathogenic. Donor and acceptor splice site variants typically lead to a loss of protein function (PMID: 16199547), and loss-of-function variants in CYBB are known to be pathogenic (PMID: 9585602, 20729109). Algorithms developed to predict the effect of sequence changes on RNA splicing suggest that this variant may disrupt the consensus splice site, but this prediction has not been confirmed by published transcriptional studies. This variant has been observed in individual(s) with clinical features of chronic granulomatous disease (PMID: 29560547, Invitae). This variant is not present in population databases (ExAC no frequency). This sequence change affects a donor splice site in intron 9 of the CYBB gene. It is expected to disrupt RNA splicing and likely results in an absent or disrupted protein product.

Literature cited by the submitters: PubMed 16199547; PubMed 9585602; PubMed 20729109; PubMed 29560547.